The following is an entry in ClinVar:

NM_173660.4(DOK7):c.332-69_332-18del52ins182

Gene: DOK7 (docking protein 7; plus strand). Cytogenetic location: 4p16.3.
Variant type: Indel.
Coding change: c.332-69_332-18del52ins182 on transcript NM_173660.4; 69 bases into the intron before coding-DNA position 332 through 18 bases into the intron before coding-DNA position 332, this stretch deleted.
Identifiers: ClinVar variation 508958 (VCV000508958.1).

ClinVar aggregate classification (germline): Likely benign (1 of 4 stars; one submission).

Submission:

GeneDx
Classification: Likely benign. Last evaluated: 2017-04-11. Review status: criteria provided, single submitter. Criteria: GeneDx Variant Classification (06012015). Collection method: clinical testing. Allele origin: germline. Affected: yes.
Comment: This variant is considered likely benign or benign based on one or more of the following criteria: it is a conservative change, it occurs at a poorly conserved position in the protein, it is predicted to be benign by multiple in silico algorithms, and/or has population frequency not consistent with disease.